The following is an entry in ClinVar:

ClinVar aggregate classification (germline): Uncertain significance (1 of 4 stars; one submission).

Conditions:
Charcot-Marie-Tooth disease type 1C. Also called: CHARCOT-MARIE-TOOTH NEUROPATHY, TYPE 1C; NEUROPATHY, HEREDITARY MOTOR AND SENSORY, TYPE IC; Charcot-Marie-Tooth disease, type IC; CHARCOT-MARIE-TOOTH DISEASE, DEMYELINATING, TYPE 1C; CMT, SLOW NERVE CONDUCTION TYPE C; HMSN IC. Identifiers: Orphanet 101083, MedGen C0270913, MONDO:0010995, OMIM 601098.

Allele frequency attached by ClinVar (database versions not stated): ExAC 0.00001.
gnomAD v4.1: 2 of 1,614,136 alleles (0.00012%); highest among the groups gnomAD compares: South Asian, 0.0011%; no homozygotes.

Submission:

Labcorp Genetics (formerly Invitae), Labcorp
Classification: Uncertain significance for Charcot-Marie-Tooth disease type 1C. Last evaluated: 2022-12-31. Review status: criteria provided, single submitter. Criteria: Invitae Variant Classification Sherloc (09022015). Collection method: clinical testing. Allele origin: germline.
Comment: In summary, the available evidence is currently insufficient to determine the role of this variant in disease. Therefore, it has been classified as a Variant of Uncertain Significance. Algorithms developed to predict the effect of missense changes on protein structure and function are either unavailable or do not agree on the potential impact of this missense change (SIFT: "Deleterious"; PolyPhen-2: "Probably Damaging"; Align-GVGD: "Class C0"). This variant has not been reported in the literature in individuals affected with LITAF-related conditions. The frequency data for this variant in the population databases is considered unreliable, as metrics indicate poor data quality at this position in the gnomAD database. This sequence change replaces threonine, which is neutral and polar, with alanine, which is neutral and non-polar, at codon 78 of the LITAF protein (p.Thr78Ala).

NM_001136472.2(LITAF):c.232A>G (p.Thr78Ala)

Gene: LITAF (lipopolysaccharide induced TNF factor; minus strand). Cytogenetic location: 16p13.13.
Variant type: single nucleotide variant.
Coding change: c.232A>G on transcript NM_001136472.2 (MANE Select); coding-DNA position 232, A replaced by G.
Protein change: p.Thr78Ala; replaces threonine 78 with alanine.
Molecular consequence: missense variant. On other transcripts: non-coding transcript variant (1).
Genome position (GRCh38, 1-based): chr16:11,553,678, T>C on the plus strand (A>G on the coding strand, the complement: LITAF is on the minus strand). VCF-style: chr16-11553678-T-C. GRCh37 (hg19) VCF-style: chr16-11647534-T-C.
Other names: c.232A>G, p.Thr78Ala (NM_001136473.1, NM_004862.4); short protein forms T78A.
Identifiers: ClinVar variation 2885103 (VCV002885103.3), dbSNP rs200709345, ClinGen allele CA7904105.